The following is an entry in ClinVar:

ClinVar aggregate classification (germline): Uncertain significance (1 of 4 stars; one submission).

Conditions:
Cholestanol storage disease (CTX). Also called: Cerebrotendinous Xanthomatosis; CTX: Cerebrotendinous xanthomatosis; CEREBRAL CHOLESTERINOSIS. Identifiers: Orphanet 909, MedGen C0238052, MONDO:0008948, OMIM 213700.

gnomAD v4.1: 1 of 1,614,226 alleles (0.000062%); highest among the groups gnomAD compares: Non-Finnish European, 0.000085%; no homozygotes.

Submission:

Labcorp Genetics (formerly Invitae), Labcorp
Classification: Uncertain significance for Cholestanol storage disease. Last evaluated: 2021-07-06. Review status: criteria provided, single submitter. Criteria: Invitae Variant Classification Sherloc (09022015). Collection method: clinical testing. Allele origin: germline.
Comment: Advanced modeling of protein sequence and biophysical properties (such as structural, functional, and spatial information, amino acid conservation, physicochemical variation, residue mobility, and thermodynamic stability) performed at Invitae indicates that this missense variant is not expected to disrupt CYP27A1 protein function. In summary, the available evidence is currently insufficient to determine the role of this variant in disease. Therefore, it has been classified as a Variant of Uncertain Significance. This variant has not been reported in the literature in individuals affected with CYP27A1-related conditions. This variant is not present in population databases (ExAC no frequency). This sequence change replaces alanine with valine at codon 177 of the CYP27A1 protein (p.Ala177Val). The alanine residue is moderately conserved and there is a small physicochemical difference between alanine and valine.

NM_000784.4(CYP27A1):c.530C>T (p.Ala177Val)

Gene: CYP27A1 (cytochrome P450 family 27 subfamily A member 1; plus strand). Cytogenetic location: 2q35.
Variant type: single nucleotide variant.
Coding change: c.530C>T on transcript NM_000784.4 (MANE Select); coding-DNA position 530, C replaced by T.
Protein change: p.Ala177Val; replaces alanine 177 with valine.
Molecular consequence: missense variant.
Genome position (GRCh38, 1-based): chr2:218,812,305, C>T. VCF-style: chr2-218812305-C-T. GRCh37 (hg19) VCF-style: chr2-219677028-C-T.
Other names: short protein forms A177V.
Identifiers: ClinVar variation 1500053 (VCV001500053.8), dbSNP rs773103625, ClinGen allele CA350585057.